The following is an entry in ClinVar:

NM_020750.3(XPO5):c.3416A>C (p.Gln1139Pro)

Genes: POLR1C (RNA polymerase I and III subunit C; plus strand), XPO5 (exportin 5; minus strand). Cytogenetic location: 6p21.1.
Variant type: single nucleotide variant.
Coding change: c.3416A>C on transcript NM_020750.3 (MANE Select); coding-DNA position 3416, A replaced by C.
Protein change: p.Gln1139Pro; replaces glutamine 1139 with proline.
Molecular consequence: missense variant. On other transcripts: non-coding transcript variant (1), intron variant (2).
Genome position (GRCh38, 1-based): chr6:43,524,532, T>G on the plus strand (A>C on the coding strand, the complement: XPO5 is on the minus strand). VCF-style: chr6-43524532-T-G. GRCh37 (hg19) VCF-style: chr6-43492270-T-G.
Other names: c.922+3484T>G (NM_001363658.2, NM_001318876.2); short protein forms Q1139P.
Identifiers: ClinVar variation 2754598 (VCV002754598.3), dbSNP rs201491980, ClinGen allele CA3825801.

ClinVar aggregate classification (germline): Uncertain significance (1 of 4 stars; one submission).

Allele frequency attached by ClinVar (database versions not stated): ExAC 0.00016; TOPMed 0.00011; gnomAD 0.00013; ESP Exome Variant Server 0.00025; gnomAD exomes 0.00022.
gnomAD v4.1: 330 of 1,613,862 alleles (0.02%); highest among the groups gnomAD compares: South Asian, 0.027%; no homozygotes.

Submission:

Labcorp Genetics (formerly Invitae), Labcorp
Classification: Uncertain significance. Last evaluated: 2024-12-12. Review status: criteria provided, single submitter. Criteria: Invitae Variant Classification Sherloc (09022015). Collection method: clinical testing. Allele origin: germline.
Comment: This sequence change replaces glutamine, which is neutral and polar, with proline, which is neutral and non-polar, at codon 1139 of the XPO5 protein (p.Gln1139Pro). This variant is present in population databases (rs201491980, gnomAD 0.02%). This variant has not been reported in the literature in individuals affected with XPO5-related conditions. ClinVar contains an entry for this variant (Variation ID: 2754598). An algorithm developed to predict the effect of missense changes on protein structure and function (PolyPhen-2) suggests that this variant is likely to be disruptive. In summary, the available evidence is currently insufficient to determine the role of this variant in disease. Therefore, it has been classified as a Variant of Uncertain Significance.